The following is an entry in ClinVar:

ClinVar aggregate classification (germline): Uncertain significance (1 of 4 stars; one submission).

Conditions:
Inborn genetic diseases. Identifiers: MedGen C0950123, MeSH D030342.

gnomAD v4.1: 2 of 1,289,124 alleles (0.00016%); highest among the groups gnomAD compares: South Asian, 0.0025%; no homozygotes.

Submission:

Ambry Genetics
Classification: Uncertain significance for Inborn genetic diseases. Last evaluated: 2021-10-11. Review status: criteria provided, single submitter. Criteria: Ambry Variant Classification Scheme 2023. Collection method: clinical testing. Allele origin: germline.
Comment: The p.G217D variant (also known as c.650G>A), located in coding exon 1 of the SMAD6 gene, results from a G to A substitution at nucleotide position 650. The glycine at codon 217 is replaced by aspartic acid, an amino acid with similar properties. This amino acid position is conserved. In addition, this alteration is predicted to be tolerated by in silico analysis. Since supporting evidence is limited at this time, the clinical significance of this alteration remains unclear.

NM_005585.5(SMAD6):c.650G>A (p.Gly217Asp)

Gene: SMAD6 (SMAD family member 6; plus strand). Cytogenetic location: 15q22.31.
Variant type: single nucleotide variant.
Coding change: c.650G>A on transcript NM_005585.5 (MANE Select); coding-DNA position 650, G replaced by A.
Protein change: p.Gly217Asp; replaces glycine 217 with aspartic acid.
Molecular consequence: missense variant. On other transcripts: non-coding transcript variant (1).
Genome position (GRCh38, 1-based): chr15:66,703,908, G>A. VCF-style: chr15-66703908-G-A. GRCh37 (hg19) VCF-style: chr15-66996246-G-A.
Other names: short protein forms G217D.
Identifiers: ClinVar variation 1753959 (VCV001753959.2), dbSNP rs2545312638, ClinGen allele CA392949968.